The following is an entry in ClinVar:

ClinVar aggregate classification (germline): Uncertain significance (1 of 4 stars; one submission).

Conditions:
Propionic acidemia (PROP). Also called: GLYCINEMIA, KETOTIC; HYPERGLYCINEMIA WITH KETOACIDOSIS AND LEUKOPENIA; KETOTIC HYPERGLYCINEMIA. Identifiers: Orphanet 35, MedGen C0268579, MONDO:0011628, OMIM 606054, HP:0003571.

Submission:

Labcorp Genetics (formerly Invitae), Labcorp
Classification: Uncertain significance for Propionic acidemia. Last evaluated: 2022-04-17. Review status: criteria provided, single submitter. Criteria: Invitae Variant Classification Sherloc (09022015). Collection method: clinical testing. Allele origin: germline.
Comment: This sequence change replaces alanine, which is neutral and non-polar, with aspartic acid, which is acidic and polar, at codon 454 of the PCCB protein (p.Ala454Asp). This variant is not present in population databases (gnomAD no frequency). This variant has not been reported in the literature in individuals affected with PCCB-related conditions. Advanced modeling of protein sequence and biophysical properties (such as structural, functional, and spatial information, amino acid conservation, physicochemical variation, residue mobility, and thermodynamic stability) performed at Invitae indicates that this missense variant is expected to disrupt PCCB protein function. In summary, the available evidence is currently insufficient to determine the role of this variant in disease. Therefore, it has been classified as a Variant of Uncertain Significance.

NM_000532.5(PCCB):c.1361C>A (p.Ala454Asp)

Gene: PCCB (propionyl-CoA carboxylase subunit beta; plus strand). Cytogenetic location: 3q22.3.
Variant type: single nucleotide variant.
Coding change: c.1361C>A on transcript NM_000532.5 (MANE Select); coding-DNA position 1361, C replaced by A.
Protein change: p.Ala454Asp; replaces alanine 454 with aspartic acid.
Molecular consequence: missense variant.
Genome position (GRCh38, 1-based): chr3:136,327,695, C>A. VCF-style: chr3-136327695-C-A. GRCh37 (hg19) VCF-style: chr3-136046537-C-A.
Other names: c.1421C>A, p.Ala474Asp (NM_001178014.2); short protein forms A474D, A454D.
Identifiers: ClinVar variation 1922640 (VCV001922640.2), dbSNP rs1935375887, ClinGen allele CA354649403.